The following is an entry in ClinVar:

ClinVar aggregate classification (germline): Likely benign. Review status: criteria provided, single submitter (1 of 4 stars). 2 submissions from 2 submitters: Likely benign (1). 1 of the submissions does not count toward it. Last evaluated 2025-01-20.

Conditions:
TUBA8-related disorder. Also called: TUBA8-related condition.

Allele frequency attached by ClinVar (database versions not stated): TOPMed below 0.00001; ExAC 0.00001; gnomAD exomes 0.00001.
gnomAD v4.1: 13 of 1,614,100 alleles (0.00081%); highest among the groups gnomAD compares: East Asian, 0.0067%; no homozygotes.

Submissions (2):

Labcorp Genetics (formerly Invitae), Labcorp
Classification: Likely benign. Last evaluated: 2025-01-20. Review status: criteria provided, single submitter. Criteria: Invitae Variant Classification Sherloc (09022015). Collection method: clinical testing. Allele origin: germline.

PreventionGenetics, part of Exact Sciences
Classification: Likely benign for TUBA8-related condition. Last evaluated: 2019-03-22. Review status: no assertion criteria provided. Collection method: clinical testing. Allele origin: germline. Not counted in ClinVar's aggregate classification.
Comment: This variant is classified as likely benign based on ACMG/AMP sequence variant interpretation guidelines (Richards et al. 2015 PMID: 25741868, with internal and published modifications).

NM_018943.3(TUBA8):c.441C>T (p.Ser147=)

Gene: TUBA8 (tubulin alpha 8; plus strand). Cytogenetic location: 22q11.21.
Variant type: single nucleotide variant.
Coding change: c.441C>T on transcript NM_018943.3 (MANE Select); coding-DNA position 441, C replaced by T.
Protein change: p.Ser147=; no amino-acid change (serine 147 retained).
Molecular consequence: synonymous variant.
Genome position (GRCh38, 1-based): chr22:18,126,419, C>T. VCF-style: chr22-18126419-C-T. GRCh37 (hg19) VCF-style: chr22-18609186-C-T.
Other names: c.441C>T (NM_018943.2); c.243C>T, p.Ser81= (NM_001193414.2).
Identifiers: ClinVar variation 2878403 (VCV002878403.5), dbSNP rs779106716, ClinGen allele CA10093682.